The following is an entry in ClinVar:

ClinVar aggregate classification (germline): Uncertain significance (1 of 4 stars; one submission).

Allele frequency attached by ClinVar (database versions not stated): gnomAD 0.00005; gnomAD exomes 0.00009 and 0.00019; ExAC 0.00025; 1000 Genomes Project 0.00120; 1000 Genomes Project 30x 0.00125.
gnomAD v4.1: 136 of 1,614,088 alleles (0.0084%); highest among the groups gnomAD compares: South Asian, 0.13%; 1 homozygote.

Submission:

Labcorp Genetics (formerly Invitae), Labcorp
Classification: Uncertain significance. Last evaluated: 2023-02-22. Review status: criteria provided, single submitter. Criteria: Invitae Variant Classification Sherloc (09022015). Collection method: clinical testing. Allele origin: germline.
Comment: In summary, the available evidence is currently insufficient to determine the role of this variant in disease. Therefore, it has been classified as a Variant of Uncertain Significance. An algorithm developed to predict the effect of missense changes on protein structure and function (PolyPhen-2) suggests that this variant is likely to be disruptive. ClinVar contains an entry for this variant (Variation ID: 1498421). This variant has not been reported in the literature in individuals affected with SPEG-related conditions. This variant is present in population databases (rs576108067, gnomAD 0.1%). This sequence change replaces proline, which is neutral and non-polar, with serine, which is neutral and polar, at codon 1248 of the SPEG protein (p.Pro1248Ser).

NM_005876.5(SPEG):c.3742C>T (p.Pro1248Ser)

Gene: SPEG (striated muscle enriched protein kinase; plus strand). Cytogenetic location: 2q35.
Variant type: single nucleotide variant.
Coding change: c.3742C>T on transcript NM_005876.5 (MANE Select); coding-DNA position 3742, C replaced by T.
Protein change: p.Pro1248Ser; replaces proline 1248 with serine.
Molecular consequence: missense variant.
Genome position (GRCh38, 1-based): chr2:219,471,894, C>T. VCF-style: chr2-219471894-C-T. GRCh37 (hg19) VCF-style: chr2-220336616-C-T.
Other names: short protein forms P1248S.
Identifiers: ClinVar variation 1498421 (VCV001498421.6), dbSNP rs576108067, ClinGen allele CA2126273.